The following is an entry in ClinVar:

ClinVar aggregate classification (germline): Benign/Likely benign. Review status: criteria provided, multiple submitters, no conflicts (2 of 4 stars). 3 submissions from 3 submitters: Benign (1); Likely benign (2). Last evaluated 2026-04-16.

Conditions:
DICER1-related tumor predisposition. Also called: DICER1-related pleuropulmonary blastoma cancer predisposition syndrome; DICER1 syndrome. Identifiers: Orphanet 284343, MedGen C3839822, MONDO:0100216.
Hereditary cancer-predisposing syndrome. Also called: Hereditary Cancer Syndrome; Neoplastic Syndromes, Hereditary; Hereditary neoplastic syndrome; Tumor predisposition. Identifiers: Orphanet 140162, MedGen C0027672, MeSH D009386, MONDO:0015356.

Allele frequency attached by ClinVar (database versions not stated): TOPMed below 0.00001; ExAC 0.00001; gnomAD exomes 0.00001 and 0.00002; gnomAD 0.00001.
gnomAD v4.1: 10 of 1,614,088 alleles (0.00062%); highest among the groups gnomAD compares: Non-Finnish European, 0.00085%; no homozygotes.

Submissions (3):

Myriad Genetics, Inc.
Classification: Benign for DICER1-related tumor predisposition. Last evaluated: 2026-04-16. Review status: criteria provided, single submitter. Criteria: Myriad Autosomal Dominant, Autosomal Recessive and X-Linked Classification Criteria (2023). Collection method: clinical testing. Allele origin: unknown.
Comment: This variant is considered benign. This variant is a silent/synonymous amino acid change and it is not expected to impact splicing.

Labcorp Genetics (formerly Invitae), Labcorp
Classification: Likely benign for DICER1-related tumor predisposition. Last evaluated: 2025-12-16. Review status: criteria provided, single submitter. Criteria: Invitae Variant Classification Sherloc (09022015). Collection method: clinical testing. Allele origin: germline.

Ambry Genetics
Classification: Likely benign for Hereditary cancer-predisposing syndrome. Last evaluated: 2017-08-10. Review status: criteria provided, single submitter. Criteria: Ambry Variant Classification Scheme 2023. Collection method: clinical testing. Allele origin: germline.

NM_177438.3(DICER1):c.2904T>C (p.Phe968=)

Gene: DICER1 (dicer 1, ribonuclease III; minus strand). Cytogenetic location: 14q32.13.
Variant type: single nucleotide variant.
Coding change: c.2904T>C on transcript NM_177438.3 (MANE Select); coding-DNA position 2904, T replaced by C.
Protein change: p.Phe968=; no amino-acid change (phenylalanine 968 retained).
Molecular consequence: synonymous variant.
Genome position (GRCh38, 1-based): chr14:95,106,124, A>G on the plus strand (T>C on the coding strand, the complement: DICER1 is on the minus strand). VCF-style: chr14-95106124-A-G. GRCh37 (hg19) VCF-style: chr14-95572461-A-G.
Other names: c.2904T>C, p.Phe968= (NM_001195573.1, NM_001271282.3, NM_001291628.2 and 1 more transcripts).
Identifiers: ClinVar variation 417055 (VCV000417055.18), dbSNP rs755199154, ClinGen allele CA7331152.
Genomic context (GRCh38, chr14:95,106,124, plus strand): 5'-CAGCAGTGGCTGGTTGAGATTGGTTAGGTCAAGGTTGTACTTTGTTTTATAATATTCTGC[A>G]AAAGTTTCATACTCAGGGGAAGGAAATTTACTGAGTGGGGTAAGATCAGTGTACACATCA-3'
Protein context (NP_803187.1, residues 958-978): SKFPSPEYET[Phe968=]AEYYKTKYNL